The following is an entry in ClinVar:

NM_005359.6(SMAD4):c.1099C>G (p.Leu367Val)

Gene: SMAD4 (SMAD family member 4; plus strand). Cytogenetic location: 18q21.2.
Variant type: single nucleotide variant.
Coding change: c.1099C>G on transcript NM_005359.6 (MANE Select); coding-DNA position 1099, C replaced by G.
Protein change: p.Leu367Val; replaces leucine 367 with valine.
Molecular consequence: missense variant. On other transcripts: non-coding transcript variant (2).
Genome position (GRCh38, 1-based): chr18:51,065,566, C>G. VCF-style: chr18-51065566-C-G. GRCh37 (hg19) VCF-style: chr18-48591936-C-G.
Other names: c.1099C>G, p.Leu367Val (NM_001407041.1, NM_001407042.1, NM_001407043.1); short protein forms L367V.
Identifiers: ClinVar variation 3637572 (VCV003637572.2).

ClinVar aggregate classification (germline): Uncertain significance (1 of 4 stars; one submission).

Conditions:
Juvenile polyposis syndrome (JPS). Identifiers: Orphanet 2929, MedGen C0345893, MONDO:0017380, OMIM 174900.

Submission:

Labcorp Genetics (formerly Invitae), Labcorp
Classification: Uncertain significance for Juvenile polyposis syndrome. Last evaluated: 2024-02-14. Review status: criteria provided, single submitter. Criteria: Invitae Variant Classification Sherloc (09022015). Collection method: clinical testing. Allele origin: germline.
Comment: This sequence change replaces leucine, which is neutral and non-polar, with valine, which is neutral and non-polar, at codon 367 of the SMAD4 protein (p.Leu367Val). This variant is not present in population databases (gnomAD no frequency). This variant has not been reported in the literature in individuals affected with SMAD4-related conditions. Advanced modeling of protein sequence and biophysical properties (such as structural, functional, and spatial information, amino acid conservation, physicochemical variation, residue mobility, and thermodynamic stability) has been performed at Invitae for this missense variant, however the output from this modeling did not meet the statistical confidence thresholds required to predict the impact of this variant on SMAD4 protein function. In summary, the available evidence is currently insufficient to determine the role of this variant in disease. Therefore, it has been classified as a Variant of Uncertain Significance.